The following is an entry in ClinVar:

NM_000143.4(FH):c.267+1_267+10del

Gene: FH (fumarate hydratase; minus strand). Cytogenetic location: 1q43.
Variant type: Deletion.
Coding change: c.267+1_267+10del on transcript NM_000143.4 (MANE Select); the canonical splice donor site of the intron after coding-DNA position 267 through 10 bases into the intron after coding-DNA position 267, 10 bases deleted (GTAAGTGGCA; older notation c.267+1_267+10delGTAAGTGGCA).
Molecular consequence: splice donor variant.
Genome position (GRCh38, 1-based): chr1:241,517,172-241,517,181, TGCCACTTAC deleted on the plus strand (GTAAGTGGCA on the coding strand, the reverse complement: FH is on the minus strand); deleting any 10 consecutive bases within chr1:241,517,172-241,517,183 gives the same sequence; the c. name uses the placement nearest the transcript's 3' end. VCF-style (leftmost placement, unchanged base first): chr1-241517171-ATGCCACTTAC-A. GRCh37 (hg19) VCF-style: chr1-241680471-ATGCCACTTAC-A.
Other names: c.267+1_267+10delGTAAGTGGCA (NM_000143.3); c.267+1_267+10del10 (NM_000143.3).
Identifiers: ClinVar variation 393559 (VCV000393559.11), dbSNP rs1060499629, ClinGen allele CA16609378.

ClinVar aggregate classification (germline): Pathogenic/Likely pathogenic. Review status: criteria provided, multiple submitters, no conflicts (2 of 4 stars). 5 submissions from 5 submitters: Pathogenic (4); Likely pathogenic (1). Last evaluated 2025-11-23.

Conditions:
Hereditary leiomyomatosis and renal cell cancer. Also called: LEIOMYOMA, MULTIPLE CUTANEOUS; MULTIPLE CUTANEOUS AND UTERINE LEIOMYOMATA 1, WITH OR WITHOUT RENAL CELL CARCINOMA; Reed syndrome; Multiple cutaneous and uterine leiomyomatosis; Cutaneous leiomyomata with uterine leiomyomata; Leiomyoma, hereditary multiple, of skin. Identifiers: Orphanet 523, MedGen C1708350, MONDO:0007888, OMIM 150800, HP:0007437. Disease mechanism: loss of function.
Hereditary cancer-predisposing syndrome. Also called: Neoplastic Syndromes, Hereditary; Hereditary Cancer Syndrome; Hereditary neoplastic syndrome; Tumor predisposition. Identifiers: Orphanet 140162, MedGen C0027672, MeSH D009386, MONDO:0015356.

Submissions (5):

Dasa
Classification: Likely pathogenic. Last evaluated: 2025-11-23. Review status: criteria provided, single submitter. Criteria: DASA Assertion Criteria. Collection method: clinical testing. Allele origin: germline.
Comment: NM_000143.4(FH):c.267+1_267+10del is a splice-region variant predicted to affect normal RNA splicing. Published studies describe this variant in association with related phenotype (PMID: 21398687). Also, this variant is rare in population databases. Based on the currently available evidence, this variant is classified as likely pathogenic.

Ambry Genetics
Classification: Pathogenic for Hereditary cancer-predisposing syndrome. Last evaluated: 2025-07-21. Review status: criteria provided, single submitter. Criteria: Ambry Variant Classification Scheme 2023. Collection method: clinical testing. Allele origin: germline.
Comment: The c.267+1_267+10del10 intronic pathogenic mutation, located in intron 2 of the FH gene, results from a deletion of 10 nucleotides within intron 2 of the FH gene. This variant has been reported in an individual with clinical features of hereditary leiomyomatosis and renal cell cancer (S&aacute;nchez-Heras AB et al. Cancers (Basel), 2020 Nov;12:). In addition, this variant has been identified in conjunction with another FH variant in an individual with features consistent with fumarate hydratase deficiency (Reis-Carneiro D et al. Mov Disord Clin Pract, 2022 Jul;9:707-709). The canonical splice donor site is well conserved in available vertebrate species. In silico splice site analysis predicts that this alteration will weaken the native splice donor site and may result in the creation or strengthening of a novel splice donor site. RNA studies have demonstrated that this alteration results in abnormal splicing in the set of samples tested (Ambry internal data). This variant is considered to be rare based on population cohorts in the Genome Aggregation Database (gnomAD). Based on the supporting evidence, this variant is interpreted as a disease-causing mutation.

Labcorp Genetics (formerly Invitae), Labcorp
Classification: Pathogenic. Last evaluated: 2025-03-09. Review status: criteria provided, single submitter. Criteria: Invitae Variant Classification Sherloc (09022015). Collection method: clinical testing. Allele origin: germline.
Comment: This sequence change affects a splice site in intron 2 of the FH gene. It is expected to disrupt RNA splicing. Variants that disrupt the donor or acceptor splice site typically lead to a loss of protein function (PMID: 16199547), and loss-of-function variants in FH are known to be pathogenic (PMID: 11865300, 21398687). This variant is not present in population databases (gnomAD no frequency). Disruption of this splice site has been observed in individual(s) with hereditary leiomyomatosis and renal cell cancer (PMID: 21398687). This variant is also known as c.138+1_138+10del10. ClinVar contains an entry for this variant (Variation ID: 393559). Algorithms developed to predict the effect of variants on gene product structure and function are not available or were not evaluated for this variant. Experimental studies have shown that disruption of this splice site affects FH function (PMID: 21398687). Algorithms developed to predict the effect of sequence changes on RNA splicing suggest that this variant may disrupt the consensus splice site. For these reasons, this variant has been classified as Pathogenic.

Clinical Genetics Laboratory, Skane University Hospital Lund
Classification: Pathogenic. Last evaluated: 2023-04-05. Review status: criteria provided, single submitter. Criteria: ACMG Guidelines, 2015. Collection method: clinical testing. Allele origin: germline. Affected: yes.

Genomic Diagnostic Laboratory, Division of Genomic Diagnostics, Children's Hospital of Philadelphia
Classification: Pathogenic for Hereditary leiomyomatosis and renal cell cancer. Last evaluated: 2017-01-17. Review status: criteria provided, single submitter. Criteria: DGD Variant Analysis Guidelines. Collection method: clinical testing. Allele origin: germline. Affected: yes. Observed: 1 variant allele.
Comment: Clinical Testing

Literature cited by the submitters: PubMed 21398687 (cited by Dasa and Labcorp Genetics (formerly Invitae), Labcorp); PubMed 33167498 (cited by Ambry Genetics); PubMed 35844283 (cited by Ambry Genetics); PubMed 16199547 (cited by Labcorp Genetics (formerly Invitae), Labcorp); PubMed 11865300 (cited by Labcorp Genetics (formerly Invitae), Labcorp).